The following is an entry in ClinVar:

NM_001377996.1(PPEF1):c.1335T>C (p.Thr445=)

Gene: PPEF1 (protein phosphatase with EF-hand domain 1; plus strand). Cytogenetic location: Xp22.13.
Variant type: single nucleotide variant.
Coding change: c.1335T>C on transcript NM_001377996.1 (MANE Select); coding-DNA position 1335, T replaced by C.
Protein change: p.Thr445=; no amino-acid change (threonine 445 retained).
Molecular consequence: synonymous variant.
Genome position (GRCh38, 1-based): chrX:18,806,486, T>C. VCF-style: chrX-18806486-T-C. GRCh37 (hg19) VCF-style: chrX-18824604-T-C.
Other names: c.1335T>C, p.Thr445= (NM_001377986.2, NM_001377993.1, NM_001378381.1 and 3 more transcripts); c.1140T>C, p.Thr380= (NM_001377994.1); c.1065T>C, p.Thr355= (NM_001377995.1, NM_001389624.1); c.1059T>C, p.Thr353= (NM_001378382.1); c.1149T>C, p.Thr383= (NM_001389623.1, NM_152226.2); c.1251T>C, p.Thr417= (NM_152224.2).
Identifiers: ClinVar variation 2660109 (VCV002660109.24), dbSNP rs749073725, ClinGen allele CA10361124.

ClinVar aggregate classification (germline): Likely benign (1 of 4 stars; one submission).

Allele frequency attached by ClinVar (database versions not stated): ExAC 0.00001.
gnomAD v4.1: 3 of 1,209,254 alleles (0.00025%); highest among the groups gnomAD compares: Admixed American, 0.0044%; no homozygotes.

Submission:

CeGaT Center for Human Genetics Tuebingen
Classification: Likely benign. Last evaluated: 2022-04-01. Review status: criteria provided, single submitter. Criteria: CeGaT Center For Human Genetics Tuebingen Variant Classification Criteria Version 2. Collection method: clinical testing. Allele origin: germline. Affected: yes. Observed: 1 variant allele.
Comment: PPEF1: BP4, BP7